The following is an entry in ClinVar:

ClinVar aggregate classification (germline): Uncertain significance (1 of 4 stars; one submission).

Conditions:
Hereditary cancer-predisposing syndrome. Also called: Neoplastic Syndromes, Hereditary; Tumor predisposition; Hereditary Cancer Syndrome; Hereditary neoplastic syndrome. Identifiers: Orphanet 140162, MedGen C0027672, MeSH D009386, MONDO:0015356.

Submission:

Ambry Genetics
Classification: Uncertain significance for Hereditary cancer-predisposing syndrome. Last evaluated: 2022-12-19. Review status: criteria provided, single submitter. Criteria: Ambry Variant Classification Scheme 2023. Collection method: clinical testing. Allele origin: germline.
Comment: The p.V969A variant (also known as c.2906T>C), located in coding exon 9 of the PALB2 gene, results from a T to C substitution at nucleotide position 2906. The valine at codon 969 is replaced by alanine, an amino acid with similar properties. This amino acid position is well conserved in available vertebrate species. In addition, this alteration is predicted to be tolerated by in silico analysis. Since supporting evidence is limited at this time, the clinical significance of this alteration remains unclear.

NM_024675.4(PALB2):c.2906T>C (p.Val969Ala)

Gene: PALB2 (partner and localizer of BRCA2; minus strand). Cytogenetic location: 16p12.2.
Variant type: single nucleotide variant.
Coding change: c.2906T>C on transcript NM_024675.4 (MANE Select); coding-DNA position 2906, T replaced by C.
Protein change: p.Val969Ala; replaces valine 969 with alanine.
Molecular consequence: missense variant.
Genome position (GRCh38, 1-based): chr16:23,623,059, A>G on the plus strand (T>C on the coding strand, the complement: PALB2 is on the minus strand). VCF-style: chr16-23623059-A-G. GRCh37 (hg19) VCF-style: chr16-23634380-A-G.
Other names: short protein forms V969A.
Identifiers: ClinVar variation 482050 (VCV000482050.6), dbSNP rs1555459561, ClinGen allele CA395144242.